The following is an entry in ClinVar:

NM_000287.4(PEX6):c.819C>T (p.Val273=)

Gene: PEX6 (peroxisomal biogenesis factor 6; minus strand). Cytogenetic location: 6p21.1.
Variant type: single nucleotide variant.
Coding change: c.819C>T on transcript NM_000287.4 (MANE Select); coding-DNA position 819, C replaced by T.
Protein change: p.Val273=; no amino-acid change (valine 273 retained).
Molecular consequence: synonymous variant. On other transcripts: non-coding transcript variant (1), intron variant (1).
Genome position (GRCh38, 1-based): chr6:42,978,332, G>A on the plus strand (C>T on the coding strand, the complement: PEX6 is on the minus strand). VCF-style: chr6-42978332-G-A. GRCh37 (hg19) VCF-style: chr6-42946070-G-A.
Other names: c.618+201C>T (NM_001316313.2).
Identifiers: ClinVar variation 740484 (VCV000740484.14), dbSNP rs748814053, ClinGen allele CA138237554.

ClinVar aggregate classification (germline): Likely benign. Review status: criteria provided, multiple submitters, no conflicts (2 of 4 stars). 3 submissions from 3 submitters: Likely benign (2). 1 of the submissions does not count toward it. Last evaluated 2026-01-20.

Conditions:
PEX6-related disorder. Also called: PEX6-related condition; PEX6-related disorders.
Peroxisome biogenesis disorder. Identifiers: Orphanet 79189, MedGen C1832200, MONDO:0019234. Disease mechanism: loss of function.

Allele frequency attached by ClinVar (database versions not stated): TOPMed 0.00003.
gnomAD v4.1: 7 of 1,614,074 alleles (0.00043%); highest among the groups gnomAD compares: African/African-American, 0.0093%; no homozygotes.

Submissions (3):

Labcorp Genetics (formerly Invitae), Labcorp
Classification: Likely benign for Peroxisome biogenesis disorder. Last evaluated: 2026-01-20. Review status: criteria provided, single submitter. Criteria: Invitae Variant Classification Sherloc (09022015). Collection method: clinical testing. Allele origin: germline.

Blueprint Genetics
Classification: Likely benign. Last evaluated: 2018-11-13. Review status: criteria provided, single submitter. Criteria: ACMG Guidelines, 2015. Collection method: clinical testing. Allele origin: germline.

PreventionGenetics, part of Exact Sciences
Classification: Likely benign for PEX6-related condition. Last evaluated: 2023-01-07. Review status: no assertion criteria provided. Collection method: clinical testing. Allele origin: germline. Not counted in ClinVar's aggregate classification.
Comment: This variant is classified as likely benign based on ACMG/AMP sequence variant interpretation guidelines (Richards et al. 2015 PMID: 25741868, with internal and published modifications).